The following is an entry in ClinVar:

NM_001035.3(RYR2):c.2323G>T (p.Val775Phe)

Gene: RYR2 (ryanodine receptor 2; plus strand). Cytogenetic location: 1q43.
Variant type: single nucleotide variant.
Coding change: c.2323G>T on transcript NM_001035.3 (MANE Select); coding-DNA position 2323, G replaced by T.
Protein change: p.Val775Phe; replaces valine 775 with phenylalanine.
Molecular consequence: missense variant.
Genome position (GRCh38, 1-based): chr1:237,500,830, G>T. VCF-style: chr1-237500830-G-T. GRCh37 (hg19) VCF-style: chr1-237664130-G-T.
Other names: p.Val775Phe; short protein forms V775F.
Identifiers: ClinVar variation 3380783 (VCV003380783.1).

ClinVar aggregate classification (germline): Uncertain significance (1 of 4 stars; one submission).

gnomAD v4.1: 1 of 1,614,030 alleles (0.000062%); highest among the groups gnomAD compares: Non-Finnish European, 0.000085%; no homozygotes.

Submission:

Mayo Clinic Laboratories, Mayo Clinic
Classification: Uncertain significance. Last evaluated: 2024-07-16. Review status: criteria provided, single submitter. Criteria: ACMG Guidelines, 2015. Collection method: clinical testing. Allele origin: germline. Observed: 1 variant allele.
Comment: PM2